The following is an entry in ClinVar:

ClinVar aggregate classification (germline): Benign/Likely benign. Review status: criteria provided, multiple submitters, no conflicts (2 of 4 stars). 4 submissions from 4 submitters: Benign (1); Likely benign (3). Last evaluated 2026-02-01.

Conditions:
Inborn genetic diseases. Identifiers: MedGen C0950123, MeSH D030342.
Idiopathic generalized epilepsy. Also called: EIG; Generalised epilepsy. Identifiers: MedGen C0270850, MONDO:0005579, OMIM 600669.
Hyperaldosteronism, familial, type IV (HALD4). Also called: FH IV; ALDOSTERONISM, PRIMARY, AND HYPERTENSION. Identifiers: Orphanet 642671, MedGen C4310756, MONDO:0014875, OMIM 617027.

Allele frequency attached by ClinVar (database versions not stated): ESP Exome Variant Server 0.00026; 1000 Genomes Project 0.00040; 1000 Genomes Project 30x 0.00047; TOPMed 0.00047; ExAC 0.00048; gnomAD 0.00054 and 0.00058.
gnomAD v4.1: 637 of 1,555,508 alleles (0.041%); highest among the groups gnomAD compares: Middle Eastern, 0.18%; 1 homozygote.

Submissions (4):

CeGaT Center for Human Genetics Tuebingen
Classification: Benign. Last evaluated: 2026-02-01. Review status: criteria provided, single submitter. Criteria: CeGaT Center For Human Genetics Tuebingen Variant Classification Criteria Version 2. Collection method: clinical testing. Allele origin: germline. Affected: yes. Observed: 2 variant alleles.
Comment: CACNA1H: BS1, BS2

Labcorp Genetics (formerly Invitae), Labcorp
Classification: Likely benign for Idiopathic generalized epilepsy; Hyperaldosteronism, familial, type IV. Last evaluated: 2025-10-15. Review status: criteria provided, single submitter. Criteria: Invitae Variant Classification Sherloc (09022015). Collection method: clinical testing. Allele origin: germline.

Blueprint Genetics
Classification: Likely benign. Last evaluated: 2024-10-09. Review status: criteria provided, single submitter. Criteria: ACMG Guidelines, 2015. Collection method: clinical testing. Allele origin: germline.

Ambry Genetics
Classification: Likely benign for Inborn genetic diseases. Last evaluated: 2021-11-15. Review status: criteria provided, single submitter. Criteria: Ambry Variant Classification Scheme 2023. Collection method: clinical testing. Allele origin: germline.

NM_021098.3(CACNA1H):c.3362C>T (p.Pro1121Leu)

Gene: CACNA1H (calcium voltage-gated channel subunit alpha1 H; plus strand). Cytogenetic location: 16p13.3.
Variant type: single nucleotide variant.
Coding change: c.3362C>T on transcript NM_021098.3 (MANE Select); coding-DNA position 3362, C replaced by T.
Protein change: p.Pro1121Leu; replaces proline 1121 with leucine.
Molecular consequence: missense variant.
Genome position (GRCh38, 1-based): chr16:1,208,220, C>T. VCF-style: chr16-1208220-C-T. GRCh37 (hg19) VCF-style: chr16-1258220-C-T.
Other names: c.3362C>T, p.Pro1121Leu (NM_001005407.2); short protein forms P1121L.
Identifiers: ClinVar variation 460085 (VCV000460085.36), dbSNP rs200832286, ClinGen allele CA7800729.